The following is an entry in ClinVar:

NM_000088.4(COL1A1):c.3749del (p.Gly1250fs)

Gene: COL1A1 (collagen type I alpha 1 chain; minus strand). Cytogenetic location: 17q21.33.
Variant type: Deletion.
Coding change: c.3749del on transcript NM_000088.4 (MANE Select); coding-DNA position 3749, one base deleted (G; older notation c.3749delG).
Protein change: p.Gly1250fs; shifts the reading frame from glycine 1250.
Molecular consequence: frameshift variant.
Genome position (GRCh38, 1-based): chr17:50,186,705, C deleted on the plus strand (G on the coding strand, the reverse complement: COL1A1 is on the minus strand); the first of 3 consecutive C bases (chr17:50,186,705-50,186,707); deleting any one gives the same sequence. VCF-style (leftmost placement, unchanged base first): chr17-50186704-GC-G. GRCh37 (hg19) VCF-style: chr17-48264065-GC-G.
Other names: short protein forms G1250fs.
Identifiers: ClinVar variation 950365 (VCV000950365.10), dbSNP rs1906565901, ClinGen allele CA1139665687.
Genomic context (GRCh38, chr17:50,186,704, plus strand): 5'-CTTCCAGTCAGAGTGGCACATCTTGAGGTCACGGCAGGTGCGGGCGGGGTTCTTGCGGCT[GC>G]CCTCTGGGCTCCGGATGTTCTCGATCTGCTGGCTCAGGCTCTTGAGGGTGGTGTCCACCT-3'

ClinVar aggregate classification (germline): Pathogenic (1 of 4 stars; one submission).

Conditions:
Osteogenesis imperfecta type I (OI1). Also called: OI, TYPE I; OSTEOGENESIS IMPERFECTA TARDA; OSTEOGENESIS IMPERFECTA WITH BLUE SCLERAE; Osteogenesis imperfecta type 1; Lobstein disease; Classic Non-deforming Osteogenesis Imperfecta with Blue Sclerae. Identifiers: Orphanet 216796, Orphanet 666, MedGen C0023931, MONDO:0008146, OMIM 166200. Disease mechanism: loss of function.

Submission:

Labcorp Genetics (formerly Invitae), Labcorp
Classification: Pathogenic for Osteogenesis imperfecta type I. Last evaluated: 2022-02-05. Review status: criteria provided, single submitter. Criteria: Invitae Variant Classification Sherloc (09022015). Collection method: clinical testing. Allele origin: germline.
Comment: For these reasons, this variant has been classified as Pathogenic. ClinVar contains an entry for this variant (Variation ID: 950365). This premature translational stop signal has been observed in individual(s) with osteogenesis imperfecta (PMID: 29150909). This variant is not present in population databases (gnomAD no frequency). This sequence change creates a premature translational stop signal (p.Gly1250Alafs*81) in the COL1A1 gene. It is expected to result in an absent or disrupted protein product. Loss-of-function variants in COL1A1 are known to be pathogenic (PMID: 7942841, 9295084, 9443882).

Literature cited by the submitters: PubMed 29150909; PubMed 7942841; PubMed 9295084; PubMed 9443882.